The following is an entry in ClinVar:

NM_057175.5(NAA15):c.1015-2A>T

Gene: NAA15 (N-alpha-acetyltransferase 15, NatA auxiliary subunit; plus strand). Cytogenetic location: 4q31.1.
Variant type: single nucleotide variant.
Coding change: c.1015-2A>T on transcript NM_057175.5 (MANE Select); the canonical splice acceptor site of the intron before coding-DNA position 1015, A replaced by T.
Molecular consequence: splice acceptor variant.
Genome position (GRCh38, 1-based): chr4:139,354,024, A>T. VCF-style: chr4-139354024-A-T. GRCh37 (hg19) VCF-style: chr4-140275178-A-T.
Other names: c.1015-2A>T (NM_001410842.1).
Identifiers: ClinVar variation 2499745 (VCV002499745.2), dbSNP rs1413704090, ClinGen allele CA358261667.

ClinVar aggregate classification (germline): Pathogenic (1 of 4 stars; one submission).

Allele frequency attached by ClinVar (database versions not stated): gnomAD exomes below 0.00001.
gnomAD v4.1: 1 of 1,611,750 alleles (0.000062%); highest among the groups gnomAD compares: Admixed American, 0.0017%; no homozygotes.

Submission:

GeneDx
Classification: Pathogenic. Last evaluated: 2024-04-01. Review status: criteria provided, single submitter. Criteria: GeneDx Variant Classification Process June 2021. Collection method: clinical testing. Allele origin: germline.
Comment: Canonical splice site variant predicted to result in a null allele in a gene for which loss of function is a known mechanism of disease; Has not been previously published as pathogenic or benign to our knowledge